The following is an entry in ClinVar:

ClinVar aggregate classification (germline): Likely benign (1 of 4 stars; one submission).

gnomAD v4.1: 1 of 1,602,166 alleles (0.000062%); highest among the groups gnomAD compares: Non-Finnish European, 0.000085%; no homozygotes.

Submission:

CeGaT Center for Human Genetics Tuebingen
Classification: Likely benign. Last evaluated: 2024-09-01. Review status: criteria provided, single submitter. Criteria: CeGaT Center For Human Genetics Tuebingen Variant Classification Criteria Version 2. Collection method: clinical testing. Allele origin: germline. Affected: yes. Observed: 2 variant alleles.
Comment: KMT2C: PM2, BP4, BS2

NM_170606.3(KMT2C):c.9358C>G (p.Pro3120Ala)

Gene: KMT2C (lysine methyltransferase 2C; minus strand). Cytogenetic location: 7q36.1.
Variant type: single nucleotide variant.
Coding change: c.9358C>G on transcript NM_170606.3 (MANE Select); coding-DNA position 9358, C replaced by G.
Protein change: p.Pro3120Ala; replaces proline 3120 with alanine.
Molecular consequence: missense variant.
Genome position (GRCh38, 1-based): chr7:152,174,147, G>C on the plus strand (C>G on the coding strand, the complement: KMT2C is on the minus strand). VCF-style: chr7-152174147-G-C. GRCh37 (hg19) VCF-style: chr7-151871232-G-C.
Other names: short protein forms P3120A.
Identifiers: ClinVar variation 3250710 (VCV003250710.18), dbSNP rs1172944883.